The following is an entry in ClinVar:

NM_006282.5(STK4):c.-6A>G

Genes: STK4 (serine/threonine kinase 4; plus strand), LOC130065950 (ATAC-STARR-seq lymphoblastoid silent region 12952; plus strand). Cytogenetic location: 20q13.12.
Variant type: single nucleotide variant.
Coding change: c.-6A>G on transcript NM_006282.5 (MANE Select); 6 bases upstream of the start codon, A replaced by G.
Molecular consequence: 5 prime UTR variant. On other transcripts: non-coding transcript variant (2).
Genome position (GRCh38, 1-based): chr20:44,966,563, A>G. VCF-style: chr20-44966563-A-G. GRCh37 (hg19) VCF-style: chr20-43595204-A-G.
Other names: c.-6A>G (NM_001352385.2).
Identifiers: ClinVar variation 4684420 (VCV004684420.1).

ClinVar aggregate classification (germline): Likely benign (1 of 4 stars; one submission).

gnomAD v4.1: 16 of 1,265,322 alleles (0.0013%); highest among the groups gnomAD compares: East Asian, 0.0063%; no homozygotes.

Submission:

Mayo Clinic Laboratories, Mayo Clinic
Classification: Likely benign. Last evaluated: 2024-12-19. Review status: criteria provided, single submitter. Criteria: ACMG Guidelines, 2015. Collection method: clinical testing. Allele origin: germline. Observed: 1 variant allele.
Comment: BP4, BP7, PM2_supporting